The following is an entry in ClinVar:

NM_001384910.1(GUCA1A):c.204C>G (p.Asp68Glu)

Genes: GUCA1A (guanylate cyclase activator 1A; plus strand), GUCA1ANB-GUCA1A (GUCA1ANB-GUCA1A readthrough; plus strand). Cytogenetic location: 6p21.1.
Variant type: single nucleotide variant.
Coding change: c.204C>G on transcript NM_001384910.1 (MANE Select); coding-DNA position 204, C replaced by G.
Protein change: p.Asp68Glu; replaces aspartic acid 68 with glutamic acid.
Molecular consequence: missense variant.
Genome position (GRCh38, 1-based): chr6:42,178,282, C>G. VCF-style: chr6-42178282-C-G. GRCh37 (hg19) VCF-style: chr6-42146020-C-G.
Other names: c.204C>G, p.Asp68Glu (NM_000409.5, NM_001319061.2, NM_001319062.2); short protein forms D68E.
Identifiers: ClinVar variation 974932 (VCV000974932.1), dbSNP rs776251040, ClinGen allele CA364108576.

ClinVar aggregate classification (germline): Uncertain significance (1 of 4 stars; one submission).

Conditions:
Cone dystrophy 3 (COD3). Also called: RETINAL CONE DYSTROPHY. Identifiers: Orphanet 1872, MedGen C1865869, MONDO:0011193, OMIM 602093.

gnomAD v4.1: 10 of 1,613,768 alleles (0.00062%); highest among the groups gnomAD compares: East Asian, 0.0067%; no homozygotes.

Submission:

SIB Swiss Institute of Bioinformatics
Classification: Uncertain significance for Cone dystrophy 3. Last evaluated: 2020-06-05. Review status: criteria provided, single submitter. Criteria: ACMG Guidelines, 2015. Collection method: curation. Allele origin: unknown.
Comment: This variant is interpreted as a variant of uncertain significance for Cone dystrophy 3, autosomal dominant. The following ACMG Tag(s) were applied: Absent from controls (or at extremely low frequency if recessive) in Exome Sequencing Project, 1000 Genomes Project, or Exome Aggregation Consortium (PM2); Multiple lines of computational evidence support a deleterious effect on the gene or gene product (PP3); Lack of segregation in affected members of a family (BS4).

Literature cited by the submitters: PubMed 31728034.